The following is an entry in ClinVar:

NM_003128.3(SPTBN1):c.752T>C (p.Leu251Ser)

Gene: SPTBN1 (spectrin beta, non-erythrocytic 1; plus strand). Cytogenetic location: 2p16.2.
Variant type: single nucleotide variant.
Coding change: c.752T>C on transcript NM_003128.3 (MANE Select); coding-DNA position 752, T replaced by C.
Protein change: p.Leu251Ser; replaces leucine 251 with serine.
Molecular consequence: missense variant.
Genome position (GRCh38, 1-based): chr2:54,618,182, T>C. VCF-style: chr2-54618182-T-C. GRCh37 (hg19) VCF-style: chr2-54845319-T-C.
Other names: c.713T>C, p.Leu238Ser (NM_178313.3); short protein forms L238S, L251S.
Identifiers: ClinVar variation 2574429 (VCV002574429.2), dbSNP rs2549506563, ClinGen allele CA346862898.

ClinVar aggregate classification (germline): Likely pathogenic (1 of 4 stars; one submission).

Submission:

GeneDx
Classification: Likely pathogenic. Last evaluated: 2025-03-05. Review status: criteria provided, single submitter. Criteria: GeneDx Variant Classification Process June 2021. Collection method: clinical testing. Allele origin: germline. Affected: yes.
Comment: Not observed at significant frequency in large population cohorts (gnomAD); In silico analysis supports that this missense variant has a deleterious effect on protein structure/function; Has not been previously published as pathogenic or benign to our knowledge